The following is an entry in ClinVar:

ClinVar aggregate classification (germline): Benign. Review status: criteria provided, multiple submitters, no conflicts (2 of 4 stars). 2 submissions from 2 submitters: Benign (2). Last evaluated 2018-01-13.

Conditions:
Autosomal recessive nonsyndromic hearing loss 3. Also called: NEUROSENSORY NONSYNDROMIC RECESSIVE DEAFNESS 3. Identifiers: Orphanet 90636, MedGen C1838263, MONDO:0010860, OMIM 600316.

Allele frequency attached by ClinVar (database versions not stated): gnomAD exomes 0.58333; 1000 Genomes Project 0.72105; 1000 Genomes Project 30x 0.73095; gnomAD 0.77965 and 0.78850; TOPMed 0.78662.
gnomAD v4.1: 118,512 of 152,176 alleles (78%); highest among the groups gnomAD compares: African/African-American, 87%; 46,618 homozygotes.

Submissions (2):

Illumina Laboratory Services, Illumina
Classification: Benign for Autosomal recessive nonsyndromic hearing loss 3. Last evaluated: 2018-01-13. Review status: criteria provided, single submitter. Criteria: ICSL Variant Classification Criteria 13 December 2019. Collection method: clinical testing. Allele origin: germline.
Comment: This variant was observed in the ICSL laboratory as part of a predisposition screen in an ostensibly healthy population. It had not been previously curated by ICSL or reported in the Human Gene Mutation Database (HGMD: prior to June 1st, 2018), and was therefore a candidate for classification through an automated scoring system. Utilizing variant allele frequency, disease prevalence and penetrance estimates, and inheritance mode, an automated score was calculated to assess if this variant is too frequent to cause the disease. Based on the score and internal cut-off values, a variant classified as benign is not then subjected to further curation. The score for this variant resulted in a classification of benign for this disease.

Breakthrough Genomics
Classification: Benign. Review status: criteria provided, single submitter. Criteria: ACMG Guidelines, 2015. Collection method: not provided. Allele origin: germline. Inheritance: Autosomal recessive inheritance. Affected: yes.

NM_016239.4(MYO15A):c.*920G>A

Gene: MYO15A (myosin XVA; plus strand). Cytogenetic location: 17p11.2.
Variant type: single nucleotide variant.
Coding change: c.*920G>A on transcript NM_016239.4 (MANE Select); 920 bases downstream of the stop codon, G replaced by A.
Molecular consequence: 3 prime UTR variant.
Genome position (GRCh38, 1-based): chr17:18,179,790, G>A. VCF-style: chr17-18179790-G-A. GRCh37 (hg19) VCF-style: chr17-18083104-G-A.
Identifiers: ClinVar variation 322196 (VCV000322196.6), dbSNP rs854802, ClinGen allele CA10639134.